The following is an entry in ClinVar:

NM_000248.4(MITF):c.3G>T (p.Met1Ile)

Genes: MITF (melanocyte inducing transcription factor; plus strand), LOC107988030 (MITF-M promoter region; plus strand). Cytogenetic location: 3p13.
Variant type: single nucleotide variant.
Coding change: c.3G>T on transcript NM_000248.4 (MANE Plus Clinical); coding-DNA position 3, G replaced by T.
Protein change: p.Met1Ile; changes the start codon (methionine 1).
Molecular consequence: missense variant, initiator codon variant. On other transcripts: intron variant (9).
Genome position (GRCh38, 1-based): chr3:69,936,725, G>T. VCF-style: chr3-69936725-G-T. GRCh37 (hg19) VCF-style: chr3-69985876-G-T.
Other names: c.3G>T, p.Met1Ile (NM_001184968.2, NM_198158.3, NM_198178.3); c.304-1097G>T (NM_001354607.2); c.199-1097G>T (NM_001354608.2, NM_001184967.2); c.355-1097G>T (NM_001354604.2, NM_198159.3); c.352-1097G>T (NM_001354605.2, NM_001354606.2, NM_006722.3); c.307-1097G>T (NM_198177.3); short protein forms M1I.
Identifiers: ClinVar variation 3750454 (VCV003750454.2).
Genomic context (GRCh38, chr3:69,936,725, plus strand): 5'-GTAGAGGGAGGGATAGTCTACCGTCTCTCACTGGATTGGTGCCACCTAAAACATTGTTAT[G>T]CTGGAAATGCTAGAATATAATCACTATCAGGTGAGATTTATTCTGACTCATATTCAGTCT-3'
Protein context (NP_000239.1, residues 1-11): [Met1Ile]LEMLEYNHYQ

ClinVar aggregate classification (germline): Uncertain significance (1 of 4 stars; one submission).

Conditions:
Tietz syndrome (TADS). Also called: HYPOPIGMENTATION/DEAFNESS OF TIETZ; TIETZ ALBINISM-DEAFNESS SYNDROME; ALBINISM-DEAFNESS OF TIETZ. Identifiers: Orphanet 42665, MedGen C0391816, MONDO:0007077, OMIM 103500.
Waardenburg syndrome type 2A (WS2A). Also called: WAARDENBURG SYNDROME WITHOUT DYSTOPIA CANTHORUM. Identifiers: Orphanet 3440, MedGen C1860339, MONDO:0008671, OMIM 193510.
Melanoma, cutaneous malignant, susceptibility to, 8. Also called: MELANOMA AND RENAL CELL CARCINOMA, SUSCEPTIBILITY TO; Cutaneous malignant melanoma 8. Identifiers: Orphanet 293822, MedGen C3152204, MONDO:0013759, OMIM 614456.

Submission:

Labcorp Genetics (formerly Invitae), Labcorp
Classification: Uncertain significance for Melanoma, cutaneous malignant, susceptibility to, 8; Waardenburg syndrome type 2A; Tietz syndrome. Last evaluated: 2026-01-31. Review status: criteria provided, single submitter. Criteria: Invitae Variant Classification Sherloc (09022015). Collection method: clinical testing. Allele origin: germline.
Comment: This sequence change affects the initiator codon of the MITF mRNA. This change may impact translation initiation or efficiency. The next in-frame methionine is located at codon 4. This variant is not present in population databases (gnomAD no frequency). This variant has not been reported in the literature in individuals affected with MITF-related conditions. ClinVar contains an entry for this variant (Variation ID: 3750454). Experimental studies and prediction algorithms are not available or were not evaluated, and the functional significance of this variant is currently unknown. In summary, the available evidence is currently insufficient to determine the role of this variant in disease. Therefore, it has been classified as a Variant of Uncertain Significance.